The following is an entry in ClinVar:

NM_000516.7(GNAS):c.695G>A (p.Arg232His)

Gene: GNAS (GNAS complex locus; plus strand). Cytogenetic location: 20q13.32.
Variant type: single nucleotide variant.
Coding change: c.695G>A on transcript NM_000516.7 (MANE Select); coding-DNA position 695, G replaced by A.
Protein change: p.Arg232His; replaces arginine 232 with histidine.
Molecular consequence: missense variant. On other transcripts: 3 prime UTR variant (2).
Genome position (GRCh38, 1-based): chr20:58,909,556, G>A. VCF-style: chr20-58909556-G-A. GRCh37 (hg19) VCF-style: chr20-57484611-G-A.
Other names: c.698G>A, p.Arg233His (NM_001077488.5); c.650G>A, p.Arg217His (NM_001077489.4); c.*556G>A (NM_001077490.3); c.518G>A, p.Arg173His (NM_001309840.2, NM_001309861.2); c.599G>A, p.Arg200His (NM_001410912.1); c.2579G>A, p.Arg860His (NM_001410913.1); c.*601G>A (NM_016592.5); c.2624G>A, p.Arg875His (NM_080425.4); and 1 more; short protein forms R173H, R217H, R218H, R233H, R860H, R875H, R200H, R232H.
Identifiers: ClinVar variation 2694073 (VCV002694073.4), dbSNP rs2146279167, ClinGen allele CA409452332.

ClinVar aggregate classification (germline): Uncertain significance. Review status: criteria provided, multiple submitters, no conflicts (2 of 4 stars). 2 submissions from 2 submitters: Uncertain significance (2). Last evaluated 2026-02-01.

Conditions:
Pseudohypoparathyroidism type 1C (PHP1C). Also called: Pseudohypoparathyroidism Ic (PHP-Ic); PSEUDOHYPOPARATHYROIDISM, TYPE IC; PHP IC. Identifiers: Orphanet 79444, MedGen C2932716, MONDO:0012911, OMIM 612462.
Pseudohypoparathyroidism type I A (PHP1A). Also called: Pseudohypoparathyroidism Type IA; ALBRIGHT HEREDITARY OSTEODYSTROPHY WITH MULTIPLE HORMONE RESISTANCE; PHP IA; Pseudohypoparathyroidism type 1A; Pseudohypoparathyroidism Ia (PHP-Ia). Identifiers: Orphanet 79443, MedGen C3494506, MONDO:0007078, OMIM 103580.
Progressive osseous heteroplasia (POH). Also called: Osseus Heteroplasia, Progressive; ECTOPIC OSSIFICATION, FAMILIAL; Osteoma cutis; Progressive Osseus Heteroplasia (POH). Identifiers: Orphanet 2762, MedGen C0334041, MONDO:0008153, OMIM 166350, HP:0025027.
Pituitary adenoma 3, multiple types. Also called: PITUITARY ADENOMA 3, ACTH-SECRETING, SOMATIC; PITUITARY ADENOMA 3, GROWTH HORMONE-SECRETING, SOMATIC. Identifiers: MedGen C4540135, MONDO:0054665, OMIM 617686.
Pseudohypoparathyroidism type 1B (PHP1B). Also called: PHP IB; Pseudohypoparathyroidism Type IB; Pseudohypoparathyroidism Ib (PHP-Ib). Identifiers: Orphanet 94089, MedGen C1864100, MONDO:0011301, OMIM 603233.
Pseudopseudohypoparathyroidism (PPHP). Also called: Pseudopseudohypoparathyroidism (PPHP); ALBRIGHT HEREDITARY OSTEODYSTROPHY WITHOUT MULTIPLE HORMONE RESISTANCE. Identifiers: Orphanet 79445, MedGen C0033835, MONDO:0012912, OMIM 612463.
ACTH-independent macronodular adrenal hyperplasia 1 (AIMAH1). Also called: CUSHING SYNDROME, ADRENAL, DUE TO AIMAH; ACTH-INDEPENDENT MACRONODULAR ADRENOCORTICAL HYPERPLASIA; ACTH-independent macronodular adrenal hyperplasia, somatic; ADRENOCORTICOTROPIC HORMONE-INDEPENDENT MACRONODULAR ADRENAL HYPERPLASIA; CORTICOTROPIN-INDEPENDENT MACRONODULAR ADRENAL HYPERPLASIA. Identifiers: MedGen C1857451, MONDO:0020735, OMIM 219080.
McCune-Albright syndrome (MAS). Also called: McCune-Albright syndrome, somatic, mosaic; ALBRIGHT SYNDROME; Albright's Syndrome; Albright's disease; Fibrous Dysplasia / McCune-Albright Syndrome. Identifiers: Orphanet 562, MedGen C0242292, MONDO:0018919, OMIM 174800.

Allele frequency attached by ClinVar (database versions not stated): gnomAD exomes below 0.00001.
gnomAD v4.1: 2 of 1,614,136 alleles (0.00012%); highest among the groups gnomAD compares: Non-Finnish European, 0.00017%; no homozygotes.

Submissions (2):

Labcorp Genetics (formerly Invitae), Labcorp
Classification: Uncertain significance. Last evaluated: 2026-02-01. Review status: criteria provided, single submitter. Criteria: Invitae Variant Classification Sherloc (09022015). Collection method: clinical testing. Allele origin: germline.
Comment: This sequence change replaces arginine, which is basic and polar, with histidine, which is basic and polar, at codon 232 of the GNAS protein (p.Arg232His). This variant is not present in population databases (gnomAD no frequency). This variant has not been reported in the literature in individuals affected with GNAS-related conditions. ClinVar contains an entry for this variant (Variation ID: 2694073). Invitae Evidence Modeling of protein sequence and biophysical properties (such as structural, functional, and spatial information, amino acid conservation, physicochemical variation, residue mobility, and thermodynamic stability) indicates that this missense variant is not expected to disrupt GNAS protein function with a negative predictive value of 80%. In summary, the available evidence is currently insufficient to determine the role of this variant in disease. Therefore, it has been classified as a Variant of Uncertain Significance.

Fulgent Genetics
Classification: Uncertain significance for Pseudohypoparathyroidism type I A; Progressive osseous heteroplasia; McCune-Albright syndrome; ACTH-independent macronodular adrenal hyperplasia 1; Pseudohypoparathyroidism type 1B; Pseudohypoparathyroidism type 1C; Pseudopseudohypoparathyroidism; Pituitary adenoma 3, multiple types. Last evaluated: 2024-05-13. Review status: criteria provided, single submitter. Criteria: ACMG Guidelines, 2015. Collection method: clinical testing. Allele origin: germline.